The following is an entry in ClinVar:

ClinVar aggregate classification (germline): Likely pathogenic (1 of 4 stars; one submission).

Conditions:
Ehlers-Danlos syndrome, type 4 (EDSVASC). Also called: Ehlers-Danlos syndrome vascular type; Ehlers Danlos syndrome, ecchymotic type; Ehlers Danlos syndrome, arterial type; Ehlers Danlos syndrome, Sack-Barabas type; Ehlers-Danlos Syndrome Type IV. Identifiers: Orphanet 286, MedGen C0268338, MONDO:0017314, OMIM 130050.

Submission:

Labcorp Genetics (formerly Invitae), Labcorp
Classification: Likely pathogenic for Ehlers-Danlos syndrome, type 4. Last evaluated: 2023-02-09. Review status: criteria provided, single submitter. Criteria: Invitae Variant Classification Sherloc (09022015). Collection method: clinical testing. Allele origin: germline.
Comment: In summary, the currently available evidence indicates that the variant is pathogenic, but additional data are needed to prove that conclusively. Therefore, this variant has been classified as Likely Pathogenic. This variant disrupts the triple helix domain of COL3A1. Glycine residues within the Gly-Xaa-Yaa repeats of the triple helix domain are required for the structure and stability of fibrillar collagens (PMID: 7695699, 8218237, 19344236). In COL3A1, variants that affect these glycine residues are significantly enriched in individuals with disease (PMID: 24922459, 25758994) compared to the general population (ExAC). Advanced modeling of protein sequence and biophysical properties (such as structural, functional, and spatial information, amino acid conservation, physicochemical variation, residue mobility, and thermodynamic stability) performed at Invitae indicates that this missense variant is expected to disrupt COL3A1 protein function. This missense change has been observed in individual(s) with clinical features of autosomal dominant COL3A1-related conditions (Invitae). This variant is not present in population databases (gnomAD no frequency). This sequence change replaces glycine, which is neutral and non-polar, with glutamic acid, which is acidic and polar, at codon 969 of the COL3A1 protein (p.Gly969Glu).

Literature cited by the submitters: PubMed 7695699; PubMed 8218237; PubMed 19344236; PubMed 24922459; PubMed 25758994.

NM_000090.4(COL3A1):c.2906G>A (p.Gly969Glu)

Gene: COL3A1 (collagen type III alpha 1 chain; plus strand). Cytogenetic location: 2q32.2.
Variant type: single nucleotide variant.
Coding change: c.2906G>A on transcript NM_000090.4 (MANE Select); coding-DNA position 2906, G replaced by A.
Protein change: p.Gly969Glu; replaces glycine 969 with glutamic acid.
Molecular consequence: missense variant.
Genome position (GRCh38, 1-based): chr2:189,004,339, G>A. VCF-style: chr2-189004339-G-A. GRCh37 (hg19) VCF-style: chr2-189869065-G-A.
Other names: short protein forms G969E.
Identifiers: ClinVar variation 2831927 (VCV002831927.3), dbSNP rs2469154289, ClinGen allele CA349844610.